The following is an entry in ClinVar:

ClinVar aggregate classification (germline): Uncertain significance (1 of 4 stars; one submission).

Conditions:
Disseminated atypical mycobacterial infection. Identifiers: MedGen C0694566.

Allele frequency attached by ClinVar (database versions not stated): gnomAD exomes below 0.00001 and 0.00001; ExAC 0.00001; TOPMed 0.00001; ESP Exome Variant Server 0.00008.

Submission:

Labcorp Genetics (formerly Invitae), Labcorp
Classification: Uncertain significance for Disseminated atypical mycobacterial infection. Last evaluated: 2024-09-04. Review status: criteria provided, single submitter. Criteria: Invitae Variant Classification Sherloc (09022015). Collection method: clinical testing. Allele origin: germline.
Comment: This sequence change replaces serine, which is neutral and polar, with asparagine, which is neutral and polar, at codon 405 of the IFNGR1 protein (p.Ser405Asn). This variant is present in population databases (rs370580064, gnomAD 0.007%). This variant has not been reported in the literature in individuals affected with IFNGR1-related conditions. ClinVar contains an entry for this variant (Variation ID: 1508959). An algorithm developed to predict the effect of missense changes on protein structure and function outputs the following: PolyPhen-2: "Benign". The asparagine amino acid residue is found in multiple mammalian species, which suggests that this missense change does not adversely affect protein function. In summary, the available evidence is currently insufficient to determine the role of this variant in disease. Therefore, it has been classified as a Variant of Uncertain Significance.

NM_000416.3(IFNGR1):c.1214G>A (p.Ser405Asn)

Gene: IFNGR1 (interferon gamma receptor 1; minus strand). Cytogenetic location: 6q23.3.
Variant type: single nucleotide variant.
Coding change: c.1214G>A on transcript NM_000416.3 (MANE Select); coding-DNA position 1214, G replaced by A.
Protein change: p.Ser405Asn; replaces serine 405 with asparagine.
Molecular consequence: missense variant.
Genome position (GRCh38, 1-based): chr6:137,198,287, C>T on the plus strand (G>A on the coding strand, the complement: IFNGR1 is on the minus strand). VCF-style: chr6-137198287-C-T. GRCh37 (hg19) VCF-style: chr6-137519424-C-T.
Other names: c.1184G>A, p.Ser395Asn (NM_001363526.1); c.1091G>A, p.Ser364Asn (NM_001363527.1); short protein forms S364N, S395N, S405N.
Identifiers: ClinVar variation 1508959 (VCV001508959.8), dbSNP rs370580064, ClinGen allele CA4018796.